The following is an entry in ClinVar:

NM_001384140.1(PCDH15):c.2897G>C (p.Arg966Thr)

Gene: PCDH15 (protocadherin related 15; minus strand). Cytogenetic location: 10q21.1.
Variant type: single nucleotide variant.
Coding change: c.2897G>C on transcript NM_001384140.1 (MANE Select); coding-DNA position 2897, G replaced by C.
Protein change: p.Arg966Thr; replaces arginine 966 with threonine.
Molecular consequence: missense variant.
Genome position (GRCh38, 1-based): chr10:53,961,864, C>G on the plus strand (G>C on the coding strand, the complement: PCDH15 is on the minus strand). VCF-style: chr10-53961864-C-G. GRCh37 (hg19) VCF-style: chr10-55721624-C-G.
Other names: c.2912G>C, p.Arg971Thr (NM_001142763.2, NM_001142771.2); c.2897G>C, p.Arg966Thr (NM_001142764.2, NM_001142766.2, NM_001142770.3 and 4 more transcripts); c.2684G>C, p.Arg895Thr (NM_001142765.2); c.2786G>C, p.Arg929Thr (NM_001142767.2); c.2831G>C, p.Arg944Thr (NM_001142768.2, NM_001142773.2, NM_001354404.2); c.2933G>C, p.Arg978Thr (NM_001142769.4); c.2918G>C, p.Arg973Thr (NM_001354411.2); short protein forms R966T, R973T, R895T, R929T, R944T, R971T, R978T.
Identifiers: ClinVar variation 450627 (VCV000450627.13), dbSNP rs568865061, ClinGen allele CA5505881.

ClinVar aggregate classification (germline): Conflicting classifications of pathogenicity. Review status: criteria provided, conflicting classifications (1 of 4 stars). 5 submissions from 5 submitters: Uncertain significance (2); Likely benign (1). 2 of the submissions do not count toward it. Last evaluated 2026-01-28.

Conditions:
PCDH15-related disorder. Also called: PCDH15-related condition; PCDH15-related disorders.
Usher syndrome type 1F (USH1F). Also called: USHER SYNDROME, TYPE IF. Identifiers: Orphanet 231169, Orphanet 886, MedGen C1865885, MONDO:0011186, OMIM 602083.

Allele frequency attached by ClinVar (database versions not stated): gnomAD below 0.00001 and 0.00002; TOPMed below 0.00001; gnomAD exomes 0.00007 and 0.00018; 1000 Genomes Project 30x 0.00016; 1000 Genomes Project 0.00020; ExAC 0.00024.
gnomAD v4.1: 115 of 1,610,422 alleles (0.0071%); highest among the groups gnomAD compares: South Asian, 0.11%; no homozygotes.

Submissions (5):

Labcorp Genetics (formerly Invitae), Labcorp
Classification: Likely benign. Last evaluated: 2026-01-28. Review status: criteria provided, single submitter. Criteria: Invitae Variant Classification Sherloc (09022015). Collection method: clinical testing. Allele origin: germline.

GeneDx
Classification: Uncertain significance. Last evaluated: 2023-11-10. Review status: criteria provided, single submitter. Criteria: GeneDx Variant Classification Process June 2021. Collection method: clinical testing. Allele origin: germline. Affected: yes.
Comment: In silico analysis, which includes protein predictors and evolutionary conservation, supports a deleterious effect; Has not been previously published as pathogenic or benign to our knowledge

Blueprint Genetics
Classification: Uncertain significance. Last evaluated: 2022-08-20. Review status: criteria provided, single submitter. Criteria: ACMG Guidelines, 2015. Collection method: clinical testing. Allele origin: germline.

PreventionGenetics, part of Exact Sciences
Classification: Uncertain significance for PCDH15-related condition. Last evaluated: 2023-10-27. Review status: no assertion criteria provided. Collection method: clinical testing. Allele origin: germline. Not counted in ClinVar's aggregate classification.
Comment: The PCDH15 c.2897G>C variant is predicted to result in the amino acid substitution p.Arg966Thr. To our knowledge, this variant has not been reported in the literature. This variant is reported in 0.15% of alleles in individuals of South Asian descent in gnomAD. Although we suspect that this variant may be benign, at this time, the clinical significance of this variant is uncertain due to the absence of conclusive functional and genetic evidence.

Natera, Inc.
Classification: Uncertain significance for Usher syndrome type 1F. Last evaluated: 2019-11-11. Review status: no assertion criteria provided. Collection method: clinical testing. Allele origin: germline. Not counted in ClinVar's aggregate classification.